The following is an entry in ClinVar:

NM_003628.6(PKP4):c.794C>G (p.Thr265Arg)

Gene: PKP4 (plakophilin 4; plus strand). Cytogenetic location: 2q24.1.
Variant type: single nucleotide variant.
Coding change: c.794C>G on transcript NM_003628.6 (MANE Select); coding-DNA position 794, C replaced by G.
Protein change: p.Thr265Arg; replaces threonine 265 with arginine.
Molecular consequence: missense variant. On other transcripts: 5 prime UTR variant (1).
Genome position (GRCh38, 1-based): chr2:158,625,068, C>G. VCF-style: chr2-158625068-C-G. GRCh37 (hg19) VCF-style: chr2-159481580-C-G.
Other names: c.794C>G, p.Thr265Arg (NM_001005476.4, NM_001304969.3, NM_001304971.2 and 6 more transcripts); c.-233C>G (NM_001304970.3); c.788C>G, p.Thr263Arg (NM_001377222.1, NM_001377223.1, NM_001377224.1); short protein forms T265R, T263R.
Identifiers: ClinVar variation 4568591 (VCV004568591.1).

ClinVar aggregate classification (germline): Uncertain significance (1 of 4 stars; one submission).

gnomAD v4.1: 2 of 1,614,188 alleles (0.00012%); highest among the groups gnomAD compares: Non-Finnish European, 0.00017%; no homozygotes.

Submission:

Ambry Genetics
Classification: Uncertain significance. Last evaluated: 2025-09-28. Review status: criteria provided, single submitter. Criteria: Ambry Variant Classification Scheme 2023. Collection method: clinical testing. Allele origin: germline.
Comment: The p.T265R variant (also known as c.794C>G), located in coding exon 6 of the PKP4 gene, results from a C to G substitution at nucleotide position 794. The threonine at codon 265 is replaced by arginine, an amino acid with similar properties. This amino acid position is conserved. In addition, this alteration is predicted to be deleterious by in silico analysis. Based on the available evidence, the clinical significance of this variant remains unclear.